The following is an entry in ClinVar:

ClinVar aggregate classification (germline): Uncertain significance (1 of 4 stars; one submission).

Conditions:
Glycogen storage disease due to muscle and heart glycogen synthase deficiency. Also called: GSD 0b; MUSCLE GLYCOGEN SYNTHASE DEFICIENCY. Identifiers: Orphanet 137625, MedGen C1969054, MONDO:0012693, OMIM 611556.

Submission:

Labcorp Genetics (formerly Invitae), Labcorp
Classification: Uncertain significance for Glycogen storage disease due to muscle and heart glycogen synthase deficiency. Last evaluated: 2022-07-06. Review status: criteria provided, single submitter. Criteria: Invitae Variant Classification Sherloc (09022015). Collection method: clinical testing. Allele origin: germline.
Comment: This variant is a gross deletion of the genomic region encompassing exon(s) 3 of the GYS1 gene. This variant would be expected to be in-frame, preserving the integrity of the reading frame. This variant has not been reported in the literature in individuals affected with GYS1-related conditions. Experimental studies and prediction algorithms are not available or were not evaluated, and the functional significance of this variant is currently unknown. In summary, the available evidence is currently insufficient to determine the role of this variant in disease. Therefore, it has been classified as a Variant of Uncertain Significance.

NC_000019.10:g.(?_48987184)_(48987395_?)del

Gene: GYS1 (glycogen synthase 1; minus strand). Cytogenetic location: 19q13.33.
Variant type: Deletion.
Identifiers: ClinVar variation 832162 (VCV000832162.8).